The following is an entry in ClinVar:

ClinVar aggregate classification (germline): Likely pathogenic (1 of 4 stars; one submission).

Conditions:
Familial porphyria cutanea tarda (PCT). Also called: PCT, ''FAMILIAL'' TYPE; PCT, TYPE II; PORPHYRIA CUTANEA TARDA, TYPE II; PORPHYRIA, HEPATOCUTANEOUS TYPE; UROD DEFICIENCY; UROPORPHYRINOGEN DECARBOXYLASE DEFICIENCY. Identifiers: Orphanet 101330, Orphanet 443062, MedGen C0268323, MONDO:0008296, OMIM 176100.

gnomAD v4.1: 1 of 1,614,228 alleles (0.000062%); highest among the groups gnomAD compares: Non-Finnish European, 0.000085%; no homozygotes.

Submission:

Juno Genomics, Hangzhou Juno Genomics, Inc
Classification: Likely pathogenic for Familial porphyria cutanea tarda. Review status: criteria provided, single submitter. Criteria: ACMG Guidelines, 2015. Collection method: clinical testing. Allele origin: germline.
Comment: Null variant in a gene where loss of function (LOF) is a known mechanism of disease.;Absent from controls (or at extremely low frequency if recessive) in Genome Aggregation Database.

NM_000374.5(UROD):c.512C>G (p.Ser171Ter)

Gene: UROD (uroporphyrinogen decarboxylase; plus strand). Cytogenetic location: 1p34.1.
Variant type: single nucleotide variant.
Coding change: c.512C>G on transcript NM_000374.5 (MANE Select); coding-DNA position 512, C replaced by G.
Protein change: p.Ser171Ter; replaces serine 171 with a stop codon.
Molecular consequence: nonsense. On other transcripts: non-coding transcript variant (3).
Genome position (GRCh38, 1-based): chr1:45,013,946, C>G. VCF-style: chr1-45013946-C-G. GRCh37 (hg19) VCF-style: chr1-45479618-C-G.
Other names: short protein forms S171*.
Identifiers: ClinVar variation 5006676 (VCV005006676.2).
Genomic context (GRCh38, chr1:45,013,946, plus strand): 5'-ACCATCTTTCTATCCTTCTCTAGTGGACCCTGATGACATACATGGTTGAGGGTGGTGGCT[C>G]AAGCACCATGGCTCAGGCCAAGCGCTGGCTCTATCAGAGACCTCAGGCTAGTCACCAGCT-3'